The following is an entry in ClinVar:

ClinVar aggregate classification (germline): Uncertain significance. Review status: criteria provided, multiple submitters, no conflicts (2 of 4 stars). 2 submissions from 2 submitters: Uncertain significance (2). Last evaluated 2023-08-15.

Conditions:
Hypercholesterolemia, autosomal dominant, 3 (FHCL3). Also called: Familial hypercholesterolemia 3; Familial Hypercholesterolemia, Autosomal Dominant, 3; PCSK9-Related Familial Hypercholesterolemia, Autosomal Dominant. Identifiers: MedGen C1863551, MONDO:0011369, OMIM 603776.
Familial hypercholesterolemia. Also called: Familial hypercholesterolaemia; Familial hypercholesterolemias. Identifiers: MedGen C0020445, MONDO:0005439.

gnomAD v4.1: 1 of 1,614,130 alleles (0.000062%); highest among the groups gnomAD compares: African/African-American, 0.0013%; no homozygotes.

Submissions (2):

All of Us Research Program, National Institutes of Health
Classification: Uncertain significance for Hypercholesterolemia, autosomal dominant, 3. Last evaluated: 2023-08-15. Review status: criteria provided, single submitter. Criteria: ACMG Guidelines, 2015. Collection method: clinical testing. Allele origin: germline. Inheritance: Autosomal dominant inheritance. Observed: 1 variant allele, 1 heterozygote.
Comment: This variant causes a G to C nucleotide substitution at the +1 position of intron 2 of the PCSK9 gene. To our knowledge, functional studies have not been reported for this variant. This variant has not been reported in individuals affected with PCSK9-related disorders in the literature. This variant has been identified in 3/251136 chromosomes in the general population by the Genome Aggregation Database (gnomAD). The available evidence is insufficient to determine the role of this variant in disease conclusively. Therefore, this variant is classified as a Variant of Uncertain Significance.

This study involves interpretation of variants in research participants for the purpose of population health screening. Participant phenotype was not available at the time of variant classification. Additional details can be found in publication PMID: 35346344, PMCID: PMC8962531

Color Diagnostics, LLC DBA Color Health
Classification: Uncertain significance for Familial hypercholesterolemia. Last evaluated: 2023-07-25. Review status: criteria provided, single submitter. Criteria: ACMG Guidelines, 2015. Collection method: clinical testing. Allele origin: germline.
Comment: This variant causes a G to C nucleotide substitution at the +1 position of intron 2 of the PCSK9 gene. To our knowledge, functional studies have not been reported for this variant. This variant has not been reported in individuals affected with PCSK9-related disorders in the literature. This variant has been identified in 3/251136 chromosomes in the general population by the Genome Aggregation Database (gnomAD). The available evidence is insufficient to determine the role of this variant in disease conclusively. Therefore, this variant is classified as a Variant of Uncertain Significance.

NM_174936.4(PCSK9):c.399+1G>C

Gene: PCSK9 (proprotein convertase subtilisin/kexin type 9; plus strand). Cytogenetic location: 1p32.3.
Variant type: single nucleotide variant.
Coding change: c.399+1G>C on transcript NM_174936.4 (MANE Select); the canonical splice donor site of the intron after coding-DNA position 399, G replaced by C.
Molecular consequence: splice donor variant. On other transcripts: intron variant (1).
Genome position (GRCh38, 1-based): chr1:55,044,035, G>C. VCF-style: chr1-55044035-G-C. GRCh37 (hg19) VCF-style: chr1-55509708-G-C.
Other names: c.24+1G>C (NM_001407246.1); c.522+1G>C (NM_001407240.1); c.399+1G>C (NM_001407242.1, NM_001407241.1, NM_001407244.1 and 2 more transcripts); c.208-2488G>C (NM_001407245.1).
Identifiers: ClinVar variation 1171353 (VCV001171353.5), dbSNP rs1461760908, ClinGen allele CA340483891.